The following is an entry in ClinVar:

ClinVar aggregate classification (germline): Pathogenic. Review status: criteria provided, single submitter (1 of 4 stars). 2 submissions from 2 submitters: Pathogenic (1). 1 of the submissions does not count toward it. Last evaluated 2015-03-10.

Conditions:
Kabuki syndrome 2 (KABUK2). Also called: KDM6A-Related Kabuki Syndrome. Identifiers: Orphanet 2322, MedGen C3275495, MONDO:0010465, OMIM 300867.

Submissions (2):

GeneDx
Classification: Pathogenic. Last evaluated: 2015-03-10. Review status: criteria provided, single submitter. Criteria: GeneDx Variant Classification (06012015). Collection method: clinical testing. Allele origin: germline. Affected: yes.
Comment: The c.3978_3981delACCA variant in the KDM6A gene has not been reported previously as a pathogenic variant nor as a benign polymorphism, to our knowledge. The c.3978_3981delACCA deletion causes a frameshift starting with codon Proline 1327, changes this amino acid to a Leucine residue and creates a premature Stop codon at position 28 of the new reading frame, denoted p.Pro1327LeufsX28. This variant is predicted to cause loss of normal protein function either through protein truncation ornonsense-mediated mRNA decay. The c.3978_3981delACCA variant was not observed inapproximately 6,500 individuals of European and African American ancestry in the NHLBI ExomeSequencing Project, indicating it is not a common benign variant in these populations. We interpretc.3978_3981delACCA as a pathogenic variant.

Bodamer Research Lab, Boston Children's Hospital
Classification: Pathogenic for Kabuki syndrome 2. Last evaluated: 2023-01-01. Review status: no assertion criteria provided. Collection method: provider interpretation. Allele origin: germline. Affected: yes. Not counted in ClinVar's aggregate classification.

NM_001291415.2(KDM6A):c.4134_4137del (p.Pro1379fs)

Gene: KDM6A (lysine demethylase 6A; plus strand). Cytogenetic location: Xp11.3.
Variant type: Deletion.
Coding change: c.4134_4137del on transcript NM_001291415.2 (MANE Select); coding-DNA positions 4134 to 4137, 4 bases deleted (ACCA; older notation c.4134_4137delACCA).
Protein change: p.Pro1379fs; shifts the reading frame from proline 1379.
Molecular consequence: frameshift variant. On other transcripts: non-coding transcript variant (1).
Genome position (GRCh38, 1-based): chrX:45,107,509-45,107,512, ACCA deleted; deleting any 4 consecutive bases within chrX:45,107,508-45,107,512 gives the same sequence; the c. name uses the placement nearest the transcript's 3' end. VCF-style (leftmost placement, unchanged base first): chrX-45107507-GAACC-G. GRCh37 (hg19) VCF-style: chrX-44966752-GAACC-G.
Other names: c.3999_4002del, p.Pro1334fs (NM_001291416.2); c.3843_3846del, p.Pro1282fs (NM_001291417.2); c.3741_3744del, p.Pro1248fs (NM_001291418.2); c.3090_3093del, p.Pro1031fs (NM_001291421.2); c.3978_3981del, p.Pro1327fs (NM_021140.4); short protein forms P1282fs, P1327fs, P1379fs, P1031fs, P1248fs, P1334fs.
Identifiers: ClinVar variation 418661 (VCV000418661.3), dbSNP rs1064793351, ClinGen allele CA16621409.